The following is an entry in ClinVar:

NM_000903.3(NQO1):c.331G>A (p.Ala111Thr)

Gene: NQO1 (NAD(P)H quinone dehydrogenase 1; minus strand). Cytogenetic location: 16q22.1.
Variant type: single nucleotide variant.
Coding change: c.331G>A on transcript NM_000903.3 (MANE Select); coding-DNA position 331, G replaced by A.
Protein change: p.Ala111Thr; replaces alanine 111 with threonine.
Molecular consequence: missense variant. On other transcripts: intron variant (2).
Genome position (GRCh38, 1-based): chr16:69,715,050, C>T on the plus strand (G>A on the coding strand, the complement: NQO1 is on the minus strand). VCF-style: chr16-69715050-C-T. GRCh37 (hg19) VCF-style: chr16-69748953-C-T.
Other names: c.331G>A, p.Ala111Thr (NM_001025433.2); c.303+3073G>A (NM_001286137.2); c.304-1921G>A (NM_001025434.2); short protein forms A111T.
Identifiers: ClinVar variation 1730186 (VCV001730186.2), dbSNP rs2544326673, ClinGen allele CA396488972.
Genomic context (GRCh38, chr16:69,715,050, plus strand): 5'-CAGCGTAAGTGTAAGCAAACTCTCCTATGAACACTCGCTCAAACCAGCCTTTCAGAATGG[C>T]AGGGACTCCAAACCACTGCAGGGGGAACTGTGGGACAGAAGACATCATTGAGGTAAGACC-3'
Protein context (NP_000894.1, residues 101-121): QFPLQWFGVP[Ala111Thr]ILKGWFERVF

ClinVar aggregate classification (germline): Uncertain significance (1 of 4 stars; one submission).

Allele frequency attached by ClinVar (database versions not stated): gnomAD exomes below 0.00001.
gnomAD v4.1: 1 of 1,613,684 alleles (0.000062%); highest among the groups gnomAD compares: Non-Finnish European, 0.000085%; no homozygotes.

Submission:

Ambry Genetics
Classification: Uncertain significance. Last evaluated: 2022-10-05. Review status: criteria provided, single submitter. Criteria: Ambry Variant Classification Scheme 2023. Collection method: clinical testing. Allele origin: germline.
Comment: The p.A111T variant (also known as c.331G>A), located in coding exon 4 of the NQO1 gene, results from a G to A substitution at nucleotide position 331. The alanine at codon 111 is replaced by threonine, an amino acid with similar properties. This amino acid position is conserved. In addition, the in silico prediction for this alteration is inconclusive. Since supporting evidence is limited at this time, the clinical significance of this alteration remains unclear.